The following is an entry in ClinVar:

NM_001039141.3(TRIOBP):c.5285C>T (p.Pro1762Leu)

Gene: TRIOBP (TRIO and F-actin binding protein; plus strand). Cytogenetic location: 22q13.1.
Variant type: single nucleotide variant.
Coding change: c.5285C>T on transcript NM_001039141.3 (MANE Select); coding-DNA position 5285, C replaced by T.
Protein change: p.Pro1762Leu; replaces proline 1762 with leucine.
Molecular consequence: missense variant.
Genome position (GRCh38, 1-based): chr22:37,740,995, C>T. VCF-style: chr22-37740995-C-T. GRCh37 (hg19) VCF-style: chr22-38137002-C-T.
Other names: short protein forms P1762L.
Identifiers: ClinVar variation 2407882 (VCV002407882.3), dbSNP rs374789338, ClinGen allele CA10224561.

ClinVar aggregate classification (germline): Uncertain significance. Review status: criteria provided, multiple submitters, no conflicts (2 of 4 stars). 2 submissions from 2 submitters: Uncertain significance (2). Last evaluated 2025-06-30.

Conditions:
Inborn genetic diseases. Identifiers: MedGen C0950123, MeSH D030342.

Allele frequency attached by ClinVar (database versions not stated): gnomAD exomes 0.00001; gnomAD 0.00004; ESP Exome Variant Server 0.00008; TOPMed 0.00009.
gnomAD v4.1: 18 of 1,560,740 alleles (0.0012%); highest among the groups gnomAD compares: African/African-American, 0.011%; no homozygotes.

Submissions (2):

GeneDx
Classification: Uncertain significance. Last evaluated: 2025-06-30. Review status: criteria provided, single submitter. Criteria: GeneDx Variant Classification Process June 2021. Collection method: clinical testing. Allele origin: germline. Affected: yes.
Comment: In silico analysis supports that this missense variant has a deleterious effect on protein structure/function; Has not been previously published as pathogenic or benign to our knowledge

Ambry Genetics
Classification: Uncertain significance for Inborn genetic diseases. Last evaluated: 2021-07-06. Review status: criteria provided, single submitter. Criteria: Ambry Variant Classification Scheme 2023. Collection method: clinical testing. Allele origin: germline.